The following is an entry in ClinVar:

NM_001081550.2(THOC2):c.4664C>T (p.Ser1555Phe)

Gene: THOC2 (THO complex subunit 2; minus strand). Cytogenetic location: Xq25.
Variant type: single nucleotide variant.
Coding change: c.4664C>T on transcript NM_001081550.2 (MANE Select); coding-DNA position 4664, C replaced by T.
Protein change: p.Ser1555Phe; replaces serine 1555 with phenylalanine.
Molecular consequence: missense variant.
Genome position (GRCh38, 1-based): chrX:123,613,412, G>A on the plus strand (C>T on the coding strand, the complement: THOC2 is on the minus strand). VCF-style: chrX-123613412-G-A. GRCh37 (hg19) VCF-style: chrX-122747263-G-A.
Other names: short protein forms S1555F.
Identifiers: ClinVar variation 2429653 (VCV002429653.2), dbSNP rs1474472931, ClinGen allele CA414260428.

ClinVar aggregate classification (germline): Uncertain significance (1 of 4 stars; one submission).

Allele frequency attached by ClinVar (database versions not stated): gnomAD exomes below 0.00001; TOPMed 0.00001; gnomAD 0.00002.
gnomAD v4.1: 3 of 1,203,611 alleles (0.00025%); highest among the groups gnomAD compares: Non-Finnish European, 0.00034%; no homozygotes.

Submission:

GeneDx
Classification: Uncertain significance. Last evaluated: 2023-02-17. Review status: criteria provided, single submitter. Criteria: GeneDx Variant Classification Process June 2021. Collection method: clinical testing. Allele origin: germline. Affected: yes.
Comment: Has not been previously published as pathogenic or benign to our knowledge; In silico analysis supports that this missense variant has a deleterious effect on protein structure/function